The following is an entry in ClinVar:

NM_138927.4(SON):c.1267C>T (p.Pro423Ser)

Gene: SON (SON DNA and RNA binding protein; plus strand). Cytogenetic location: 21q22.11.
Variant type: single nucleotide variant.
Coding change: c.1267C>T on transcript NM_138927.4 (MANE Select); coding-DNA position 1267, C replaced by T.
Protein change: p.Pro423Ser; replaces proline 423 with serine.
Molecular consequence: missense variant. On other transcripts: non-coding transcript variant (1), intron variant (1).
Genome position (GRCh38, 1-based): chr21:33,550,498, C>T. VCF-style: chr21-33550498-C-T. GRCh37 (hg19) VCF-style: chr21-34922804-C-T.
Other names: c.1267C>T, p.Pro423Ser (NM_001291411.2, NM_032195.3); c.244+4119C>T (NM_001291412.3); c.1267C>T (NM_138927.2); short protein forms P423S.
Identifiers: ClinVar variation 1050005 (VCV001050005.8), dbSNP rs201446136, ClinGen allele CA10008862.

ClinVar aggregate classification (germline): Likely benign. Review status: criteria provided, single submitter (1 of 4 stars). 3 submissions from 3 submitters: Likely benign (1). 2 of the submissions do not count toward it. Last evaluated 2025-09-03.

Conditions:
SON-related disorder. Also called: SON-related condition.

Allele frequency attached by ClinVar (database versions not stated): ExAC 0.00010; gnomAD exomes 0.00012 and 0.00024; TOPMed 0.00015; gnomAD 0.00016 and 0.00017; ESP Exome Variant Server 0.00023; 1000 Genomes Project 0.00040; 1000 Genomes Project 30x 0.00047.
gnomAD v4.1: 368 of 1,613,534 alleles (0.023%); highest among the groups gnomAD compares: Non-Finnish European, 0.029%; no homozygotes.

Submissions (3):

Labcorp Genetics (formerly Invitae), Labcorp
Classification: Likely benign. Last evaluated: 2025-09-03. Review status: criteria provided, single submitter. Criteria: Invitae Variant Classification Sherloc (09022015). Collection method: clinical testing. Allele origin: germline.

PreventionGenetics, part of Exact Sciences
Classification: Likely benign for SON-related condition. Last evaluated: 2019-07-25. Review status: no assertion criteria provided. Collection method: clinical testing. Allele origin: germline. Not counted in ClinVar's aggregate classification.
Comment: This variant is classified as likely benign based on ACMG/AMP sequence variant interpretation guidelines (Richards et al. 2015 PMID: 25741868, with internal and published modifications).

Department of Pathology and Laboratory Medicine, Sinai Health System
Classification: Likely benign. Review status: no assertion criteria provided. Collection method: clinical testing. Allele origin: unknown. Affected: yes. Study: The Canadian Open Genetics Repository (COGR). Not counted in ClinVar's aggregate classification.
Comment: The SON p.Pro423Ser variant was not identified in the literature nor was it identified in ClinVar. The variant was identified in dbSNP (ID: rs201446136) and LOVD 3.0 (variant effect not shared). The variant was identified in control databases in 29 of 250712 chromosomes at a frequency of 0.0001157 (Genome Aggregation Database March 6, 2019, v2.1.1). The variant was observed in the following populations: European (non-Finnish) in 24 of 113234 chromosomes (freq: 0.000212) and Latino in 5 of 34592 chromosomes (freq: 0.000145), but was not observed in the African, Ashkenazi Jewish, East Asian, European (Finnish), Other, or South Asian populations. The p.Pro423 residue is not conserved in mammals and computational analyses (SIFT, AlignGVGD, BLOSUM, MutationTaster) do not suggest a high likelihood of impact to the protein; however, this information is not predictive enough to rule out pathogenicity. The variant occurs outside of the splicing consensus sequence and in silico or computational prediction software programs (SpliceSiteFinder, MaxEntScan, NNSPLICE, GeneSplicer) do not predict a difference in splicing. In summary, based on the above information the clinical significance of this variant cannot be determined with certainty at this time although we would lean towards a more benign role for this variant. This variant is classified as likely benign.